The following is an entry in ClinVar:

ClinVar aggregate classification (germline): Uncertain significance (1 of 4 stars; one submission).

Conditions:
Familial sleep-related hypermotor epilepsy. Also called: Autosomal Dominant Sleep-Related Hypermotor (Hyperkinetic) Epilepsy. Identifiers: Orphanet 98784, MedGen C3696898, MONDO:0000030.

Allele frequency attached by ClinVar (database versions not stated): TOPMed below 0.00001; gnomAD 0.00001.
gnomAD v4.1: 1 of 1,613,700 alleles (0.000062%); highest among the groups gnomAD compares: Admixed American, 0.0017%; no homozygotes.

Submission:

Labcorp Genetics (formerly Invitae), Labcorp
Classification: Uncertain significance. Last evaluated: 2023-04-08. Review status: criteria provided, single submitter. Criteria: Invitae Variant Classification Sherloc (09022015). Collection method: clinical testing. Allele origin: germline.
Comment: In summary, the available evidence is currently insufficient to determine the role of this variant in disease. Therefore, it has been classified as a Variant of Uncertain Significance. Advanced modeling of protein sequence and biophysical properties (such as structural, functional, and spatial information, amino acid conservation, physicochemical variation, residue mobility, and thermodynamic stability) performed at Invitae indicates that this missense variant is expected to disrupt CHRNA2 protein function. This variant has not been reported in the literature in individuals affected with CHRNA2-related conditions. This variant is not present in population databases (gnomAD no frequency). This sequence change replaces tryptophan, which is neutral and slightly polar, with arginine, which is basic and polar, at codon 122 of the CHRNA2 protein (p.Trp122Arg).

NM_000742.4(CHRNA2):c.364T>C (p.Trp122Arg)

Gene: CHRNA2 (cholinergic receptor nicotinic alpha 2 subunit; minus strand). Cytogenetic location: 8p21.2.
Variant type: single nucleotide variant.
Coding change: c.364T>C on transcript NM_000742.4 (MANE Select); coding-DNA position 364, T replaced by C.
Protein change: p.Trp122Arg; replaces tryptophan 122 with arginine.
Molecular consequence: missense variant. On other transcripts: 5 prime UTR variant (4).
Genome position (GRCh38, 1-based): chr8:27,467,314, A>G on the plus strand (T>C on the coding strand, the complement: CHRNA2 is on the minus strand). VCF-style: chr8-27467314-A-G. GRCh37 (hg19) VCF-style: chr8-27324831-A-G.
Other names: c.319T>C, p.Trp107Arg (NM_001282455.2); c.-109T>C (NM_001347705.2, NM_001347706.2); c.-95T>C (NM_001347707.2); c.-98T>C (NM_001347708.2); short protein forms W107R, W122R.
Identifiers: ClinVar variation 2853602 (VCV002853602.3), dbSNP rs1812728617, ClinGen allele CA370812636.
Genomic context (GRCh38, chr8:27,467,314, plus strand): 5'-TCCAGATCATCTCAGAAGGGACCCTGAGAGATGTGATGTTGCCAAAATCAGTGGGGTTCC[A>G]GCGCAGTTTGTAGTCGCTCCACTCCTGTGTGTGGGGAAGGAGTTGTGTCAACCTCGCTTC-3'
Protein context (NP_000733.2, residues 112-132): KQEWSDYKLR[Trp122Arg]NPTDFGNITS